The following is an entry in ClinVar:

NM_018896.5(CACNA1G):c.2485G>A (p.Gly829Ser)

Gene: CACNA1G (calcium voltage-gated channel subunit alpha1 G; plus strand). Cytogenetic location: 17q21.33.
Variant type: single nucleotide variant.
Coding change: c.2485G>A on transcript NM_018896.5 (MANE Select); coding-DNA position 2485, G replaced by A.
Protein change: p.Gly829Ser; replaces glycine 829 with serine.
Molecular consequence: missense variant. On other transcripts: non-coding transcript variant (5).
Genome position (GRCh38, 1-based): chr17:50,591,466, G>A. VCF-style: chr17-50591466-G-A. GRCh37 (hg19) VCF-style: chr17-48668827-G-A.
Other names: c.2485G>A, p.Gly829Ser (NM_001256324.2, NM_001256325.2, NM_001256326.2 and 24 more transcripts); short protein forms G829S.
Identifiers: ClinVar variation 4530650 (VCV004530650.1), dbSNP rs766342903.

ClinVar aggregate classification (germline): Uncertain significance (0 of 4 stars; one submission).

Conditions:
Spinocerebellar ataxia type 42. Identifiers: Orphanet 458803, MedGen C4225205, MONDO:0014776, OMIM 616795.
Spinocerebellar ataxia 42, early-onset, severe, with neurodevelopmental deficits. Identifiers: MedGen C4748120, MONDO:0060758, OMIM 618087.

gnomAD v4.1: 13 of 1,594,130 alleles (0.00082%); highest among the groups gnomAD compares: African/African-American, 0.0054%; no homozygotes.

Submission:

Diagnostics Centre, Carl Von Ossietzky University Oldenburg
Classification: Uncertain significance for Spinocerebellar ataxia type 42; Spinocerebellar ataxia 42, early-onset, severe, with neurodevelopmental deficits. Last evaluated: 2025-01-24. Review status: no assertion criteria provided. Collection method: clinical testing. Allele origin: germline. Affected: yes. Observed: 1 variant allele.
Comment: The variant CACNA1G:c.2485G>A (Gly829Ser) which is located in the coding exon 11 of the CACNA1G gene, results from a guanine to adenine substitution at nucleotide position c.2485. The glycine residue at protein position 829 is replaced by a serine, an equally neutral but polar amino acid. The affected amino acid position is highly conserved in the available vertebrate species. The affected position is located in a well-established ion transport functional domain of the protein. Missense variants in this gene or the affected region are a known disease mechanism and are rare in the general population. The affected protein region has significant levels of missense constrain. In silico tools predict a significant deleterious effect in the protein structure/function (REVEL = 0.86). The variant has not yet been described in Clinvar or any publications known to us. The variant has not yet been described in Clinvar or any publications known to us. The variant is classified as rare in the overall population (MAF = 8.2*e-6 in gnomAD v4.1.0). In summary, this variant is classified as a variant of unclear significance.